The following is an entry in ClinVar:

ClinVar aggregate classification (germline): Uncertain significance (1 of 4 stars; one submission).

gnomAD v4.1: 9 of 1,539,160 alleles (0.00058%); highest among the groups gnomAD compares: South Asian, 0.0012%; no homozygotes.

Submission:

Labcorp Genetics (formerly Invitae), Labcorp
Classification: Uncertain significance. Last evaluated: 2024-04-30. Review status: criteria provided, single submitter. Criteria: Invitae Variant Classification Sherloc (09022015). Collection method: clinical testing. Allele origin: germline.
Comment: This sequence change replaces glycine, which is neutral and non-polar, with arginine, which is basic and polar, at codon 329 of the TCF3 protein (p.Gly329Arg). This variant is not present in population databases (gnomAD no frequency). This variant has not been reported in the literature in individuals affected with TCF3-related conditions. Advanced modeling of protein sequence and biophysical properties (such as structural, functional, and spatial information, amino acid conservation, physicochemical variation, residue mobility, and thermodynamic stability) performed at Invitae indicates that this missense variant is expected to disrupt TCF3 protein function with a positive predictive value of 80%. In summary, the available evidence is currently insufficient to determine the role of this variant in disease. Therefore, it has been classified as a Variant of Uncertain Significance.

NM_003200.5(TCF3):c.985G>A (p.Gly329Arg)

Gene: TCF3 (transcription factor 3; minus strand). Cytogenetic location: 19p13.3.
Variant type: single nucleotide variant.
Coding change: c.985G>A on transcript NM_003200.5 (MANE Select); coding-DNA position 985, G replaced by A.
Protein change: p.Gly329Arg; replaces glycine 329 with arginine.
Molecular consequence: missense variant.
Genome position (GRCh38, 1-based): chr19:1,621,162, C>T on the plus strand (G>A on the coding strand, the complement: TCF3 is on the minus strand). VCF-style: chr19-1621162-C-T. GRCh37 (hg19) VCF-style: chr19-1621161-C-T.
Other names: c.985G>A, p.Gly329Arg (NM_001136139.4, NM_001351778.2, NM_001351779.2); short protein forms G329R.
Identifiers: ClinVar variation 3648818 (VCV003648818.2).